The following is an entry in ClinVar:

NM_024411.5(PDYN):c.*556C>T

Genes: PDYN-AS1 (PDYN antisense RNA 1; plus strand), PDYN (prodynorphin; minus strand). Cytogenetic location: 20p13.
Variant type: single nucleotide variant.
Coding change: c.*556C>T on transcript NM_024411.5 (MANE Select); 556 bases downstream of the stop codon, C replaced by T.
Molecular consequence: 3 prime UTR variant.
Genome position (GRCh38, 1-based): chr20:1,979,767, G>A on the plus strand (C>T on the coding strand, the complement: PDYN is on the minus strand). VCF-style: chr20-1979767-G-A. GRCh37 (hg19) VCF-style: chr20-1960413-G-A.
Other names: c.*556C>T (NM_001190892.1, NM_001190898.3, NM_001190899.2 and 1 more transcripts).
Identifiers: ClinVar variation 337824 (VCV000337824.5), dbSNP rs73571349, ClinGen allele CA10652978.

ClinVar aggregate classification (germline): Benign (1 of 4 stars; one submission).

Conditions:
Spinocerebellar ataxia type 23 (SCA23). Identifiers: Orphanet 101108, MedGen C1853250, MONDO:0012449, OMIM 610245.

Allele frequency attached by ClinVar (database versions not stated): gnomAD exomes 0.00189; 1000 Genomes Project 0.02017; TOPMed 0.02073; gnomAD 0.02074; 1000 Genomes Project 30x 0.02155.
gnomAD v4.1: 3,070 of 165,476 alleles (1.9%); highest among the groups gnomAD compares: African/African-American, 6.8%; 87 homozygotes.

Submission:

Illumina Laboratory Services, Illumina
Classification: Benign for Spinocerebellar ataxia type 23. Last evaluated: 2018-01-12. Review status: criteria provided, single submitter. Criteria: ICSL Variant Classification Criteria 13 December 2019. Collection method: clinical testing. Allele origin: germline.
Comment: This variant was observed in the ICSL laboratory as part of a predisposition screen in an ostensibly healthy population. It had not been previously curated by ICSL or reported in the Human Gene Mutation Database (HGMD: prior to June 1st, 2018), and was therefore a candidate for classification through an automated scoring system. Utilizing variant allele frequency, disease prevalence and penetrance estimates, and inheritance mode, an automated score was calculated to assess if this variant is too frequent to cause the disease. Based on the score and internal cut-off values, a variant classified as benign is not then subjected to further curation. The score for this variant resulted in a classification of benign for this disease.